The following is an entry in ClinVar:

NM_024408.4(NOTCH2):c.7301C>A (p.Ser2434Tyr)

Gene: NOTCH2 (notch receptor 2; minus strand). Cytogenetic location: 1p12.
Variant type: single nucleotide variant.
Coding change: c.7301C>A on transcript NM_024408.4 (MANE Select); coding-DNA position 7301, C replaced by A.
Protein change: p.Ser2434Tyr; replaces serine 2434 with tyrosine.
Molecular consequence: missense variant.
Genome position (GRCh38, 1-based): chr1:119,915,421, G>T on the plus strand (C>A on the coding strand, the complement: NOTCH2 is on the minus strand). VCF-style: chr1-119915421-G-T. GRCh37 (hg19) VCF-style: chr1-120458044-G-T.
Other names: short protein forms S2434Y.
Identifiers: ClinVar variation 2862885 (VCV002862885.3), dbSNP rs2526102597, ClinGen allele CA341871990.

ClinVar aggregate classification (germline): Uncertain significance (1 of 4 stars; one submission).

Conditions:
Hajdu-Cheney syndrome (HJCYS). Also called: ACROOSTEOLYSIS WITH OSTEOPOROSIS AND CHANGES IN SKULL AND MANDIBLE; SERPENTINE FIBULA-POLYCYSTIC KIDNEY SYNDROME; Acroosteolysis dominant type. Identifiers: Orphanet 955, MedGen C0917715, MONDO:0007057, OMIM 102500.

Submission:

Labcorp Genetics (formerly Invitae), Labcorp
Classification: Uncertain significance for Hajdu-Cheney syndrome. Last evaluated: 2023-05-11. Review status: criteria provided, single submitter. Criteria: Invitae Variant Classification Sherloc (09022015). Collection method: clinical testing. Allele origin: germline.
Comment: This sequence change replaces serine, which is neutral and polar, with tyrosine, which is neutral and polar, at codon 2434 of the NOTCH2 protein (p.Ser2434Tyr). This variant is not present in population databases (gnomAD no frequency). This variant has not been reported in the literature in individuals affected with NOTCH2-related conditions. Advanced modeling of protein sequence and biophysical properties (such as structural, functional, and spatial information, amino acid conservation, physicochemical variation, residue mobility, and thermodynamic stability) performed at Invitae indicates that this missense variant is not expected to disrupt NOTCH2 protein function. In summary, the available evidence is currently insufficient to determine the role of this variant in disease. Therefore, it has been classified as a Variant of Uncertain Significance.